The following is an entry in ClinVar:

NM_001277083.2(POTEJ):c.2025C>T (p.Asn675=)

Gene: POTEJ (POTE ankyrin domain family member J; plus strand). Cytogenetic location: 2q21.1.
Variant type: single nucleotide variant.
Coding change: c.2025C>T on transcript NM_001277083.2 (MANE Select); coding-DNA position 2025, C replaced by T.
Protein change: p.Asn675=; no amino-acid change (asparagine 675 retained).
Molecular consequence: synonymous variant.
Genome position (GRCh38, 1-based): chr2:130,656,785, C>T. VCF-style: chr2-130656785-C-T. GRCh37 (hg19) VCF-style: chr2-131414358-C-T.
Identifiers: ClinVar variation 3778111 (VCV003778111.7).
Genomic context (GRCh38, chr2:130,656,785, plus strand): 5'-GGCTCTACAATTGAATGAGCTCACCATGGATGATGATACCGCTGTGCTCGTCATTGACAA[C>T]GGCTCTGGCATGTGCAAGGCCGGCTTTGCGGGCGACGATGCCCCCCGGGCTGTCTTCCCT-3'
Protein context (NP_001264012.1, residues 665-685): DDDTAVLVID[Asn675=]GSGMCKAGFA

ClinVar aggregate classification (germline): Likely benign (1 of 4 stars; one submission).

Submission:

CeGaT Center for Human Genetics Tuebingen
Classification: Likely benign. Last evaluated: 2025-03-01. Review status: criteria provided, single submitter. Criteria: CeGaT Center For Human Genetics Tuebingen Variant Classification Criteria Version 2. Collection method: clinical testing. Allele origin: germline. Affected: yes. Observed: 1 variant allele.
Comment: POTEJ: BP4, BP7